The following is an entry in ClinVar:

NM_174878.3(CLRN1):c.244C>G (p.Arg82Gly)

Gene: CLRN1 (clarin 1; minus strand). Cytogenetic location: 3q25.1.
Variant type: single nucleotide variant.
Coding change: c.244C>G on transcript NM_174878.3 (MANE Select); coding-DNA position 244, C replaced by G.
Protein change: p.Arg82Gly; replaces arginine 82 with glycine.
Molecular consequence: missense variant. On other transcripts: non-coding transcript variant (1).
Genome position (GRCh38, 1-based): chr3:150,972,465, G>C on the plus strand (C>G on the coding strand, the complement: CLRN1 is on the minus strand). VCF-style: chr3-150972465-G-C. GRCh37 (hg19) VCF-style: chr3-150690252-G-C.
Other names: c.244C>G, p.Arg82Gly (NM_001195794.1, NM_001256819.2); c.244C>G (NM_174878.2); short protein forms R82G.
Identifiers: ClinVar variation 2171637 (VCV002171637.4), dbSNP rs1013290166, ClinGen allele CA85947810.
Genomic context (GRCh38, chr3:150,972,465, plus strand): 5'-GGGAAGAGTCTGCCTAAAGCATTAAATAACTCAAATGCAATTGCTACTTACATGAGAACC[G>C]AAAGGGCCTTGCTCCCAACCCACACTGCCTCACACCCTCTCCGTGGAAAAGCCCGTACTG-3'
Protein context (NP_777367.1, residues 72-92): RQCGLGARPF[Arg82Gly]FSFFPDLLKA

ClinVar aggregate classification (germline): Uncertain significance. Review status: criteria provided, multiple submitters, no conflicts (2 of 4 stars). 2 submissions from 2 submitters: Uncertain significance (2). Last evaluated 2024-12-04.

Conditions:
Inborn genetic diseases. Identifiers: MedGen C0950123, MeSH D030342.

Allele frequency attached by ClinVar (database versions not stated): gnomAD 0.00002; TOPMed 0.00002.
gnomAD v4.1: 4 of 1,613,950 alleles (0.00025%); highest among the groups gnomAD compares: African/African-American, 0.004%; no homozygotes.

Submissions (2):

Ambry Genetics
Classification: Uncertain significance for Inborn genetic diseases. Last evaluated: 2024-12-04. Review status: criteria provided, single submitter. Criteria: Ambry Variant Classification Scheme 2023. Collection method: clinical testing. Allele origin: germline.

Labcorp Genetics (formerly Invitae), Labcorp
Classification: Uncertain significance. Last evaluated: 2023-08-10. Review status: criteria provided, single submitter. Criteria: Invitae Variant Classification Sherloc (09022015). Collection method: clinical testing. Allele origin: germline.
Comment: ClinVar contains an entry for this variant (Variation ID: 2171637). This variant has not been reported in the literature in individuals affected with CLRN1-related conditions. This variant is present in population databases (no rsID available, gnomAD 0.01%). This sequence change replaces arginine, which is basic and polar, with glycine, which is neutral and non-polar, at codon 82 of the CLRN1 protein (p.Arg82Gly). An algorithm developed to predict the effect of missense changes on protein structure and function (PolyPhen-2) suggests that this variant¬†is likely to be tolerated. In summary, the available evidence is currently insufficient to determine the role of this variant in disease. Therefore, it has been classified as a Variant of Uncertain Significance.